The following is an entry in ClinVar:

ClinVar aggregate classification (germline): Uncertain significance (1 of 4 stars; one submission).

Submission:

GeneDx
Classification: Uncertain significance. Last evaluated: 2025-03-04. Review status: criteria provided, single submitter. Criteria: GeneDx Variant Classification Process June 2021. Collection method: clinical testing. Allele origin: germline. Affected: yes.
Comment: Not observed at significant frequency in large population cohorts (gnomAD); In silico analysis supports that this missense variant has a deleterious effect on protein structure/function; Has not been previously published as pathogenic or benign to our knowledge

NM_005458.8(GABBR2):c.995G>A (p.Gly332Glu)

Gene: GABBR2 (gamma-aminobutyric acid type B receptor subunit 2; minus strand). Cytogenetic location: 9q22.33.
Variant type: single nucleotide variant.
Coding change: c.995G>A on transcript NM_005458.8 (MANE Select); coding-DNA position 995, G replaced by A.
Protein change: p.Gly332Glu; replaces glycine 332 with glutamic acid.
Molecular consequence: missense variant.
Genome position (GRCh38, 1-based): chr9:98,473,150, C>T on the plus strand (G>A on the coding strand, the complement: GABBR2 is on the minus strand). VCF-style: chr9-98473150-C-T. GRCh37 (hg19) VCF-style: chr9-101235432-C-T.
Other names: short protein forms G332E.
Identifiers: ClinVar variation 4082739 (VCV004082739.1).
Genomic context (GRCh38, chr9:98,473,150, plus strand): 5'-ACAAGATGATCAAAGGAGGTGGGCCAGAAGGTTGAAATGGGGACCAAGGCACTGACCTTT[C>T]CTGAGATGGTCTTGATCTGCTTGGAGCTCAGGGGCTCGAAATCCACGCCAATGTAGCCCT-3'
Protein context (NP_005449.5, residues 322-342): LSSKQIKTIS[Gly332Glu]KTPQQYEREY